The following is an entry in ClinVar:

ClinVar aggregate classification (germline): Conflicting classifications of pathogenicity. Review status: criteria provided, conflicting classifications (1 of 4 stars). 6 submissions from 6 submitters: Uncertain significance (4); Benign (1); Likely benign (1). Last evaluated 2026-08-10.

Conditions:
Inborn genetic diseases. Identifiers: MedGen C0950123, MeSH D030342.
Spinocerebellar ataxia, autosomal recessive, with axonal neuropathy 2 (SCAN2). Also called: ATAXIA-OCULOMOTOR APRAXIA 2; Ataxia with Oculomotor Apraxia Type 2; Ataxia with Oculomotor Apraxia; Ataxia-ocular apraxia-2. Identifiers: Orphanet 64753, MedGen C1853761, MONDO:0018996, OMIM 606002.
Amyotrophic lateral sclerosis type 4 (ALS4). Also called: AMYOTROPHIC LATERAL SCLEROSIS 4, JUVENILE; NEURONOPATHY, DISTAL HEREDITARY MOTOR, WITH PYRAMIDAL FEATURES. Identifiers: Orphanet 357043, MedGen C1865409, MONDO:0011223, OMIM 602433.
SETX-related disorder. Also called: SETX-related condition; SETX-related disorders. Identifiers: MedGen CN239403.

Allele frequency attached by ClinVar (database versions not stated): gnomAD exomes 0.00011 and 0.00015; ESP Exome Variant Server 0.00015; 1000 Genomes Project 30x 0.00016; ExAC 0.00017; 1000 Genomes Project 0.00020; gnomAD 0.00029 and 0.00034; TOPMed 0.00039.
gnomAD v4.1: 229 of 1,614,232 alleles (0.014%); highest among the groups gnomAD compares: African/African-American, 0.068%; no homozygotes.

Submissions (6):

PreventionGenetics, part of Exact Sciences
Classification: Uncertain significance for SETX-related condition. Last evaluated: 2026-08-10. Review status: criteria provided, single submitter. Criteria: ACMG Guidelines, 2015. Collection method: clinical testing. Allele origin: germline.
Comment: The SETX c.7982A>G variant is predicted to result in the amino acid substitution p.Lys2661Arg. To our knowledge, this variant has not been reported in the literature. This variant is reported in 0.060% of alleles in individuals of African descent in gnomAD. Although we suspect that this variant may be benign, at this time, the clinical significance of this variant is uncertain due to the absence of conclusive functional and genetic evidence.

Labcorp Genetics (formerly Invitae), Labcorp
Classification: Benign for Amyotrophic lateral sclerosis type 4; Spinocerebellar ataxia, autosomal recessive, with axonal neuropathy 2. Last evaluated: 2025-09-02. Review status: criteria provided, single submitter. Criteria: Invitae Variant Classification Sherloc (09022015). Collection method: clinical testing. Allele origin: germline.

Mayo Clinic Laboratories, Mayo Clinic
Classification: Uncertain significance. Last evaluated: 2025-03-18. Review status: criteria provided, single submitter. Criteria: ACMG Guidelines, 2015. Collection method: clinical testing. Allele origin: germline. Observed: 3 variant alleles.
Comment: BP4_moderate

Blueprint Genetics
Classification: Uncertain significance. Last evaluated: 2024-11-01. Review status: criteria provided, single submitter. Criteria: ACMG Guidelines, 2015. Collection method: clinical testing. Allele origin: germline.

Revvity Omics, Revvity
Classification: Uncertain significance. Last evaluated: 2023-03-07. Review status: criteria provided, single submitter. Criteria: ACMG Guidelines, 2015. Collection method: clinical testing. Allele origin: germline.

Ambry Genetics
Classification: Likely benign for Inborn genetic diseases. Last evaluated: 2022-07-14. Review status: criteria provided, single submitter. Criteria: Ambry Variant Classification Scheme 2023. Collection method: clinical testing. Allele origin: germline.

NM_015046.7(SETX):c.7982A>G (p.Lys2661Arg)

Gene: SETX (senataxin; minus strand). Cytogenetic location: 9q34.13.
Variant type: single nucleotide variant.
Coding change: c.7982A>G on transcript NM_015046.7 (MANE Select); coding-DNA position 7982, A replaced by G.
Protein change: p.Lys2661Arg; replaces lysine 2661 with arginine.
Molecular consequence: missense variant.
Genome position (GRCh38, 1-based): chr9:132,264,291, T>C on the plus strand (A>G on the coding strand, the complement: SETX is on the minus strand). VCF-style: chr9-132264291-T-C. GRCh37 (hg19) VCF-style: chr9-135139678-T-C.
Other names: p.Lys2661Arg; c.7982A>G, p.Lys2661Arg (NM_001351527.2); c.8069A>G, p.Lys2690Arg (NM_001351528.2); short protein forms K2661R, K2690R.
Identifiers: ClinVar variation 842504 (VCV000842504.20), dbSNP rs199921065, ClinGen allele CA5296279.